The following is an entry in ClinVar:

ClinVar aggregate classification (germline): Conflicting classifications of pathogenicity. Review status: criteria provided, conflicting classifications (1 of 4 stars). 4 submissions from 4 submitters: Uncertain significance (3); Likely benign (1). Last evaluated 2025-03-26.

Conditions:
Primary ciliary dyskinesia. Also called: Ciliary dyskinesia. Identifiers: Orphanet 244, MedGen C0008780, MONDO:0016575, HP:0012265.
Primary ciliary dyskinesia 3. Identifiers: Orphanet 244, MedGen C1837618, MONDO:0012085, OMIM 608644.

Allele frequency attached by ClinVar (database versions not stated): ExAC 0.00002; gnomAD exomes 0.00002 and 0.00008; TOPMed 0.00004; gnomAD 0.00006; ESP Exome Variant Server 0.00008.
gnomAD v4.1: 129 of 1,613,970 alleles (0.008%); highest among the groups gnomAD compares: Non-Finnish European, 0.01%; no homozygotes.

Submissions (4):

Labcorp Genetics (formerly Invitae), Labcorp
Classification: Likely benign for Primary ciliary dyskinesia. Last evaluated: 2025-03-26. Review status: criteria provided, single submitter. Criteria: Invitae Variant Classification Sherloc (09022015). Collection method: clinical testing. Allele origin: germline.

Ambry Genetics
Classification: Uncertain significance for Primary ciliary dyskinesia. Last evaluated: 2022-02-07. Review status: criteria provided, single submitter. Criteria: Ambry Variant Classification Scheme 2023. Collection method: clinical testing. Allele origin: germline.
Comment: The p.G2364A variant (also known as c.7091G>C), located in coding exon 43 of the DNAH5 gene, results from a G to C substitution at nucleotide position 7091. The glycine at codon 2364 is replaced by alanine, an amino acid with similar properties. This amino acid position is conserved. In addition, this alteration is predicted to be deleterious by in silico analysis. Since supporting evidence is limited at this time, the clinical significance of this alteration remains unclear.

Illumina Laboratory Services, Illumina
Classification: Uncertain significance for Primary ciliary dyskinesia 3. Last evaluated: 2018-01-12. Review status: criteria provided, single submitter. Criteria: ICSL Variant Classification Criteria 13 December 2019. Collection method: clinical testing. Allele origin: germline.

Mayo Clinic Laboratories, Mayo Clinic
Classification: Uncertain significance for Primary ciliary dyskinesia 3. Last evaluated: 2016-10-18. Review status: criteria provided, single submitter. Criteria: ACMG Guidelines, 2015. Collection method: clinical testing. Allele origin: paternal.

NM_001369.3(DNAH5):c.7091G>C (p.Gly2364Ala)

Gene: DNAH5 (dynein axonemal heavy chain 5; minus strand). Cytogenetic location: 5p15.2.
Variant type: single nucleotide variant.
Coding change: c.7091G>C on transcript NM_001369.3 (MANE Select); coding-DNA position 7091, G replaced by C.
Protein change: p.Gly2364Ala; replaces glycine 2364 with alanine.
Molecular consequence: missense variant.
Genome position (GRCh38, 1-based): chr5:13,814,744, C>G on the plus strand (G>C on the coding strand, the complement: DNAH5 is on the minus strand). VCF-style: chr5-13814744-C-G. GRCh37 (hg19) VCF-style: chr5-13814853-C-G.
Other names: short protein forms G2364A.
Identifiers: ClinVar variation 351064 (VCV000351064.16), dbSNP rs373657849, ClinGen allele CA3203184.